The following is an entry in ClinVar:

ClinVar aggregate classification (germline): Uncertain significance (1 of 4 stars; one submission).

Conditions:
Atypical hemolytic-uremic syndrome. Identifiers: Orphanet 2134, MedGen C2931788, MONDO:0016244.

Submission:

Genomenon, Inc
Classification: Uncertain significance for Atypical hemolytic-uremic syndrome. Last evaluated: 2025-09-30. Review status: criteria provided, single submitter. Criteria: Genomenon Sequence Variant Interpretation Standards. Collection method: curation. Allele origin: germline. Affected: yes.
Comment: C3 c.74+1del is a canonical splice variant located in the donor splice region of intron 1. This variant has been observed in at least one proband affected with atypical hemolytic-uremic syndrome (PMID:36845135). It is absent or not present at a significant frequency in gnomAD. In conclusion, we classify C3 c.74+1del as a variant of uncertain significance.

Literature cited by the submitters: PubMed 36845135.

NM_000064.4(C3):c.74+1del

Gene: C3 (complement C3; minus strand). Cytogenetic location: 19p13.3.
Variant type: Deletion.
Coding change: c.74+1del on transcript NM_000064.4 (MANE Select); the canonical splice donor site of the intron after coding-DNA position 74, one base deleted (G; older notation c.74+1delG).
Molecular consequence: splice donor variant.
Genome position (GRCh38, 1-based): chr19:6,720,515, C deleted on the plus strand (G on the coding strand, the reverse complement: C3 is on the minus strand). VCF-style (leftmost placement, unchanged base first): chr19-6720514-AC-A. GRCh37 (hg19) VCF-style: chr19-6720525-AC-A.
Identifiers: ClinVar variation 4280248 (VCV004280248.1).